The following is an entry in ClinVar:

NM_000875.5(IGF1R):c.2309A>G (p.Glu770Gly)

Gene: IGF1R (insulin like growth factor 1 receptor; plus strand). Cytogenetic location: 15q26.3.
Variant type: single nucleotide variant.
Coding change: c.2309A>G on transcript NM_000875.5 (MANE Select); coding-DNA position 2309, A replaced by G.
Protein change: p.Glu770Gly; replaces glutamic acid 770 with glycine.
Molecular consequence: missense variant.
Genome position (GRCh38, 1-based): chr15:98,922,255, A>G. VCF-style: chr15-98922255-A-G. GRCh37 (hg19) VCF-style: chr15-99465484-A-G.
Other names: c.2309A>G, p.Glu770Gly (NM_001291858.2); short protein forms E770G.
Identifiers: ClinVar variation 3697846 (VCV003697846.2).
Genomic context (GRCh38, chr15:98,922,255, plus strand): 5'-TGTCCAGCCGAAGCAGGAACACCACGGCCGCAGACACCTACAACATCACCGACCCGGAAG[A>G]GCTGGAGACAGAGTACCCTTTCTTTGAGAGCAGAGTGGATAACAAGGAGAGAACTGTCAT-3'
Protein context (NP_000866.1, residues 760-780): ADTYNITDPE[Glu770Gly]LETEYPFFES

ClinVar aggregate classification (germline): Uncertain significance (1 of 4 stars; one submission).

Submission:

Labcorp Genetics (formerly Invitae), Labcorp
Classification: Uncertain significance. Last evaluated: 2024-10-06. Review status: criteria provided, single submitter. Criteria: Invitae Variant Classification Sherloc (09022015). Collection method: clinical testing. Allele origin: germline.
Comment: This sequence change replaces glutamic acid, which is acidic and polar, with glycine, which is neutral and non-polar, at codon 770 of the IGF1R protein (p.Glu770Gly). This variant is not present in population databases (gnomAD no frequency). This variant has not been reported in the literature in individuals affected with IGF1R-related conditions. Invitae Evidence Modeling of protein sequence and biophysical properties (such as structural, functional, and spatial information, amino acid conservation, physicochemical variation, residue mobility, and thermodynamic stability) indicates that this missense variant is not expected to disrupt IGF1R protein function with a negative predictive value of 80%. In summary, the available evidence is currently insufficient to determine the role of this variant in disease. Therefore, it has been classified as a Variant of Uncertain Significance.